The following is an entry in ClinVar:

NM_000337.6(SGCD):c.121C>A (p.Leu41Ile)

Gene: SGCD (sarcoglycan delta; plus strand). Cytogenetic location: 5q33.3.
Variant type: single nucleotide variant.
Coding change: c.121C>A on transcript NM_000337.6 (MANE Select); coding-DNA position 121, C replaced by A.
Protein change: p.Leu41Ile; replaces leucine 41 with isoleucine.
Molecular consequence: missense variant.
Genome position (GRCh38, 1-based): chr5:156,344,606, C>A. VCF-style: chr5-156344606-C-A. GRCh37 (hg19) VCF-style: chr5-155771616-C-A.
Other names: c.118C>A, p.Leu40Ile (NM_001128209.2); c.121C>A, p.Leu41Ile (NM_172244.3); short protein forms L41I, L40I.
Identifiers: ClinVar variation 1046220 (VCV001046220.12), dbSNP rs769047953, ClinGen allele CA362007733.

ClinVar aggregate classification (germline): Uncertain significance (1 of 4 stars; one submission).

Conditions:
Autosomal recessive limb-girdle muscular dystrophy type 2F (LGMDR6). Also called: Muscular dystrophy limb-girdle with delta-sarcoglyan deficiency; MUSCULAR DYSTROPHY, LIMB-GIRDLE, AUTOSOMAL RECESSIVE 6. Identifiers: Orphanet 219, MedGen C1832525, MONDO:0011028, OMIM 601287. Disease mechanism: Affects gamma-sarcoglycan and also disrupts the integrity of the entire sarcoglycan complex..

Submission:

Labcorp Genetics (formerly Invitae), Labcorp
Classification: Uncertain significance for Autosomal recessive limb-girdle muscular dystrophy type 2F. Last evaluated: 2022-07-25. Review status: criteria provided, single submitter. Criteria: Invitae Variant Classification Sherloc (09022015). Collection method: clinical testing. Allele origin: germline.
Comment: In summary, the available evidence is currently insufficient to determine the role of this variant in disease. Therefore, it has been classified as a Variant of Uncertain Significance. Algorithms developed to predict the effect of missense changes on protein structure and function are either unavailable or do not agree on the potential impact of this missense change (SIFT: "Tolerated"; PolyPhen-2: "Probably Damaging"; Align-GVGD: "Class C0"). ClinVar contains an entry for this variant (Variation ID: 1046220). This variant has not been reported in the literature in individuals affected with SGCD-related conditions. This variant is not present in population databases (gnomAD no frequency). This sequence change replaces leucine, which is neutral and non-polar, with isoleucine, which is neutral and non-polar, at codon 41 of the SGCD protein (p.Leu41Ile).